The following is an entry in ClinVar:

ClinVar aggregate classification (germline): Likely benign. Review status: criteria provided, multiple submitters, no conflicts (2 of 4 stars). 3 submissions from 3 submitters: Likely benign (2). 1 of the submissions does not count toward it. Last evaluated 2025-05-16.

Conditions:
CEP152-related disorder. Also called: CEP152-related disorders; CEP152-related condition. Identifiers: MedGen CN239248.
Inborn genetic diseases. Identifiers: MedGen C0950123, MeSH D030342.

Allele frequency attached by ClinVar (database versions not stated): gnomAD 0.00004; 1000 Genomes Project 30x 0.00016; ExAC 0.00017; 1000 Genomes Project 0.00020; gnomAD exomes 0.00030.
gnomAD v4.1: 103 of 1,614,034 alleles (0.0064%); highest among the groups gnomAD compares: Admixed American, 0.13%; 1 homozygote.

Submissions (3):

Labcorp Genetics (formerly Invitae), Labcorp
Classification: Likely benign. Last evaluated: 2025-05-16. Review status: criteria provided, single submitter. Criteria: Invitae Variant Classification Sherloc (09022015). Collection method: clinical testing. Allele origin: germline.

Ambry Genetics
Classification: Likely benign for Inborn genetic diseases. Last evaluated: 2024-09-26. Review status: criteria provided, single submitter. Criteria: Ambry Variant Classification Scheme 2023. Collection method: clinical testing. Allele origin: germline.

PreventionGenetics, part of Exact Sciences
Classification: Likely benign for CEP152-related condition. Last evaluated: 2023-11-10. Review status: no assertion criteria provided. Collection method: clinical testing. Allele origin: germline. Not counted in ClinVar's aggregate classification.
Comment: This variant is classified as likely benign based on ACMG/AMP sequence variant interpretation guidelines (Richards et al. 2015 PMID: 25741868, with internal and published modifications).

NM_001194998.2(CEP152):c.3100C>T (p.Arg1034Trp)

Gene: CEP152 (centrosomal protein 152; minus strand). Cytogenetic location: 15q21.1.
Variant type: single nucleotide variant.
Coding change: c.3100C>T on transcript NM_001194998.2 (MANE Select); coding-DNA position 3100, C replaced by T.
Protein change: p.Arg1034Trp; replaces arginine 1034 with tryptophan.
Molecular consequence: missense variant.
Genome position (GRCh38, 1-based): chr15:48,756,148, G>A on the plus strand (C>T on the coding strand, the complement: CEP152 is on the minus strand). VCF-style: chr15-48756148-G-A. GRCh37 (hg19) VCF-style: chr15-49048345-G-A.
Other names: c.3100C>T (NM_001194998.1, NM_014985.3); c.3100C>T, p.Arg1034Trp (NM_014985.4); short protein forms R1034W.
Identifiers: ClinVar variation 1357948 (VCV001357948.11), dbSNP rs184240876, ClinGen allele CA7548418.
Genomic context (GRCh38, chr15:48,756,148, plus strand): 5'-AAAGAACCCCAAGTACAGTCAGGATGTCTTCCTCATACTGATAGATTTCCAGTTGGATCC[G>A]CTTGGCTTCCTGCATAGTCCATTCTCTACGACTCTGGTCTAGACAAGTTTGTAATTCTGT-3'
Protein context (NP_001181927.1, residues 1024-1044): RREWTMQEAK[Arg1034Trp]IQLEIYQYEE